The following is an entry in ClinVar:

NM_022772.4(EPS8L2):c.2133G>T (p.Arg711Ser)

Gene: EPS8L2 (EPS8 signaling adaptor L2; plus strand). Cytogenetic location: 11p15.5.
Variant type: single nucleotide variant.
Coding change: c.2133G>T on transcript NM_022772.4 (MANE Select); coding-DNA position 2133, G replaced by T.
Protein change: p.Arg711Ser; replaces arginine 711 with serine.
Molecular consequence: missense variant.
Genome position (GRCh38, 1-based): chr11:726,966, G>T. VCF-style: chr11-726966-G-T. GRCh37 (hg19) VCF-style: chr11-726966-G-T.
Other names: short protein forms R711S.
Identifiers: ClinVar variation 2978044 (VCV002978044.3), dbSNP rs202059125, ClinGen allele CA5787929.

ClinVar aggregate classification (germline): Uncertain significance (1 of 4 stars; one submission).

gnomAD v4.1: 47 of 1,613,106 alleles (0.0029%); highest among the groups gnomAD compares: East Asian, 0.011%; no homozygotes.

Submission:

Labcorp Genetics (formerly Invitae), Labcorp
Classification: Uncertain significance. Last evaluated: 2023-05-20. Review status: criteria provided, single submitter. Criteria: Invitae Variant Classification Sherloc (09022015). Collection method: clinical testing. Allele origin: germline.
Comment: In summary, the available evidence is currently insufficient to determine the role of this variant in disease. Therefore, it has been classified as a Variant of Uncertain Significance. Algorithms developed to predict the effect of sequence changes on RNA splicing suggest that this variant may create or strengthen a splice site. An algorithm developed to predict the effect of missense changes on protein structure and function (PolyPhen-2) suggests that this variant is likely to be tolerated. This variant has not been reported in the literature in individuals affected with EPS8L2-related conditions. This variant is present in population databases (rs202059125, gnomAD 0.02%). This sequence change replaces arginine, which is basic and polar, with serine, which is neutral and polar, at codon 711 of the EPS8L2 protein (p.Arg711Ser).